The following is an entry in ClinVar:

ClinVar aggregate classification (germline): Uncertain significance (0 of 4 stars; one submission).

Conditions:
ATP6AP1-related disorder. Also called: ATP6AP1-related disorders; ATP6AP1-related condition.

Submission:

PreventionGenetics, part of Exact Sciences
Classification: Uncertain significance for ATP6AP1-related condition. Last evaluated: 2024-03-08. Review status: no assertion criteria provided. Collection method: clinical testing. Allele origin: germline.
Comment: The ATP6AP1 c.266T>C variant is predicted to result in the amino acid substitution p.Val89Ala. To our knowledge, this variant has not been reported in the literature or in a large population database, indicating this variant is rare. At this time, the clinical significance of this variant is uncertain due to the absence of conclusive functional and genetic evidence.

NM_001183.6(ATP6AP1):c.266T>C (p.Val89Ala)

Gene: ATP6AP1 (ATPase H+ transporting accessory protein 1; plus strand). Cytogenetic location: Xq28.
Variant type: single nucleotide variant.
Coding change: c.266T>C on transcript NM_001183.6 (MANE Select); coding-DNA position 266, T replaced by C.
Protein change: p.Val89Ala; replaces valine 89 with alanine.
Molecular consequence: missense variant.
Genome position (GRCh38, 1-based): chrX:154,429,152, T>C. VCF-style: chrX-154429152-T-C. GRCh37 (hg19) VCF-style: chrX-153657498-T-C.
Other names: short protein forms V89A.
Identifiers: ClinVar variation 3349429 (VCV003349429.1).